The following is an entry in ClinVar:

NM_053054.4(CATSPER1):c.2301G>A (p.Val767=)

Gene: CATSPER1 (cation channel sperm associated 1; minus strand). Cytogenetic location: 11q13.1.
Variant type: single nucleotide variant.
Coding change: c.2301G>A on transcript NM_053054.4 (MANE Select); coding-DNA position 2301, G replaced by A.
Protein change: p.Val767=; no amino-acid change (valine 767 retained).
Molecular consequence: synonymous variant.
Genome position (GRCh38, 1-based): chr11:66,017,075, C>T on the plus strand (G>A on the coding strand, the complement: CATSPER1 is on the minus strand). VCF-style: chr11-66017075-C-T. GRCh37 (hg19) VCF-style: chr11-65784546-C-T.
Identifiers: ClinVar variation 2641977 (VCV002641977.24), dbSNP rs763905604, ClinGen allele CA6114332.

ClinVar aggregate classification (germline): Likely benign (1 of 4 stars; one submission).

Allele frequency attached by ClinVar (database versions not stated): TOPMed below 0.00001; gnomAD 0.00001; gnomAD exomes 0.00001; ExAC 0.00002.
gnomAD v4.1: 17 of 1,612,348 alleles (0.0011%); highest among the groups gnomAD compares: Middle Eastern, 0.016%; no homozygotes.

Submission:

CeGaT Center for Human Genetics Tuebingen
Classification: Likely benign. Last evaluated: 2023-01-01. Review status: criteria provided, single submitter. Criteria: CeGaT Center For Human Genetics Tuebingen Variant Classification Criteria Version 2. Collection method: clinical testing. Allele origin: germline. Affected: yes. Observed: 1 variant allele.
Comment: CATSPER1: BP4, BP7